The following is an entry in ClinVar:

NM_133497.4(KCNV2):c.883G>A (p.Gly295Ser)

Gene: KCNV2 (potassium voltage-gated channel modifier subfamily V member 2; plus strand). Cytogenetic location: 9p24.2.
Variant type: single nucleotide variant.
Coding change: c.883G>A on transcript NM_133497.4 (MANE Select); coding-DNA position 883, G replaced by A.
Protein change: p.Gly295Ser; replaces glycine 295 with serine.
Molecular consequence: missense variant.
Genome position (GRCh38, 1-based): chr9:2,718,622, G>A. VCF-style: chr9-2718622-G-A. GRCh37 (hg19) VCF-style: chr9-2718622-G-A.
Other names: short protein forms G295S.
Identifiers: ClinVar variation 1466020 (VCV001466020.7), dbSNP rs755751408, ClinGen allele CA4965664.
Genomic context (GRCh38, chr9:2,718,622, plus strand): 5'-GTGGCGCTGGCGCTCAACACCGTGGAGGAGATGCAGCAGCACTCGGGGCAGGGCGAGGGC[G>A]GCCCAGACCTGCGGCCCATCCTGGAGCACGTGGAGATGCTGTGCATGGGCTTCTTCACGC-3'
Protein context (NP_598004.1, residues 285-305): MQQHSGQGEG[Gly295Ser]PDLRPILEHV

ClinVar aggregate classification (germline): Uncertain significance (1 of 4 stars; one submission).

Allele frequency attached by ClinVar (database versions not stated): TOPMed 0.00001; gnomAD 0.00001.

Submission:

Labcorp Genetics (formerly Invitae), Labcorp
Classification: Uncertain significance. Last evaluated: 2022-01-13. Review status: criteria provided, single submitter. Criteria: Invitae Variant Classification Sherloc (09022015). Collection method: clinical testing. Allele origin: germline.
Comment: This sequence change replaces glycine, which is neutral and non-polar, with serine, which is neutral and polar, at codon 295 of the KCNV2 protein (p.Gly295Ser). This variant is present in population databases (rs755751408, gnomAD 0.01%). This variant has not been reported in the literature in individuals affected with KCNV2-related conditions. Advanced modeling of protein sequence and biophysical properties (such as structural, functional, and spatial information, amino acid conservation, physicochemical variation, residue mobility, and thermodynamic stability) performed at Invitae indicates that this missense variant is not expected to disrupt KCNV2 protein function. In summary, the available evidence is currently insufficient to determine the role of this variant in disease. Therefore, it has been classified as a Variant of Uncertain Significance.